The following is an entry in ClinVar:

ClinVar aggregate classification (germline): Uncertain significance. Review status: criteria provided, multiple submitters, no conflicts (2 of 4 stars). 2 submissions from 2 submitters: Uncertain significance (2). Last evaluated 2025-07-31.

Conditions:
Inborn genetic diseases. Identifiers: MedGen C0950123, MeSH D030342.

Allele frequency attached by ClinVar (database versions not stated): gnomAD exomes below 0.00001.

Submissions (2):

Ambry Genetics
Classification: Uncertain significance for Inborn genetic diseases. Last evaluated: 2025-07-31. Review status: criteria provided, single submitter. Criteria: Ambry Variant Classification Scheme 2023. Collection method: clinical testing. Allele origin: germline.
Comment: The p.I835T variant (also known as c.2504T>C), located in coding exon 1 of the SAMD9L gene, results from a T to C substitution at nucleotide position 2504. The isoleucine at codon 835 is replaced by threonine, an amino acid with similar properties. This amino acid position is conserved. In addition, the in silico prediction for this alteration is inconclusive. Based on the available evidence, the clinical significance of this variant remains unclear.

GeneDx
Classification: Uncertain significance. Last evaluated: 2023-09-01. Review status: criteria provided, single submitter. Criteria: GeneDx Variant Classification Process June 2021. Collection method: clinical testing. Allele origin: germline. Affected: yes.
Comment: Not observed at significant frequency in large population cohorts (gnomAD); In silico analysis supports that this missense variant has a deleterious effect on protein structure/function; Has not been previously published as pathogenic or benign to our knowledge; This variant is associated with the following publications: (PMID: 28545555)

NM_152703.5(SAMD9L):c.2504T>C (p.Ile835Thr)

Gene: SAMD9L (sterile alpha motif domain containing 9 like; minus strand). Cytogenetic location: 7q21.2.
Variant type: single nucleotide variant.
Coding change: c.2504T>C on transcript NM_152703.5 (MANE Select); coding-DNA position 2504, T replaced by C.
Protein change: p.Ile835Thr; replaces isoleucine 835 with threonine.
Molecular consequence: missense variant.
Genome position (GRCh38, 1-based): chr7:93,133,468, A>G on the plus strand (T>C on the coding strand, the complement: SAMD9L is on the minus strand). VCF-style: chr7-93133468-A-G. GRCh37 (hg19) VCF-style: chr7-92762781-A-G.
Other names: c.2504T>C, p.Ile835Thr (NM_001303496.3, NM_001303497.3, NM_001303498.3 and 5 more transcripts); c.2504T>C (NM_152703.2); short protein forms I835T.
Identifiers: ClinVar variation 2578234 (VCV002578234.2), dbSNP rs915828013, ClinGen allele CA161960344.